The following is an entry in ClinVar:

NM_000428.3(LTBP2):c.4978G>A (p.Gly1660Arg)

Gene: LTBP2 (latent transforming growth factor beta binding protein 2; minus strand). Cytogenetic location: 14q24.3.
Variant type: single nucleotide variant.
Coding change: c.4978G>A on transcript NM_000428.3 (MANE Select); coding-DNA position 4978, G replaced by A.
Protein change: p.Gly1660Arg; replaces glycine 1660 with arginine.
Molecular consequence: missense variant.
Genome position (GRCh38, 1-based): chr14:74,502,845, C>T on the plus strand (G>A on the coding strand, the complement: LTBP2 is on the minus strand). VCF-style: chr14-74502845-C-T. GRCh37 (hg19) VCF-style: chr14-74969548-C-T.
Other names: c.4978G>A (NM_000428.2); short protein forms G1660R.
Identifiers: ClinVar variation 1982093 (VCV001982093.3), dbSNP rs147223742, ClinGen allele CA7268560.

ClinVar aggregate classification (germline): Uncertain significance. Review status: criteria provided, multiple submitters, no conflicts (2 of 4 stars). 3 submissions from 3 submitters: Uncertain significance (3). Last evaluated 2024-11-10.

Conditions:
Inborn genetic diseases. Identifiers: MedGen C0950123, MeSH D030342.

Allele frequency attached by ClinVar (database versions not stated): ESP Exome Variant Server 0.00015.
gnomAD v4.1: 73 of 1,613,938 alleles (0.0045%); highest among the groups gnomAD compares: South Asian, 0.0099%; no homozygotes.

Submissions (3):

Ambry Genetics
Classification: Uncertain significance for Inborn genetic diseases. Last evaluated: 2024-11-10. Review status: criteria provided, single submitter. Criteria: Ambry Variant Classification Scheme 2023. Collection method: clinical testing. Allele origin: germline.

GeneDx
Classification: Uncertain significance. Last evaluated: 2024-10-14. Review status: criteria provided, single submitter. Criteria: GeneDx Variant Classification Process June 2021. Collection method: clinical testing. Allele origin: germline. Affected: yes.
Comment: In silico analysis supports that this missense variant has a deleterious effect on protein structure/function; Has not been previously published as pathogenic or benign to our knowledge

Labcorp Genetics (formerly Invitae), Labcorp
Classification: Uncertain significance. Last evaluated: 2022-03-02. Review status: criteria provided, single submitter. Criteria: Invitae Variant Classification Sherloc (09022015). Collection method: clinical testing. Allele origin: germline.
Comment: This sequence change replaces glycine, which is neutral and non-polar, with arginine, which is basic and polar, at codon 1660 of the LTBP2 protein (p.Gly1660Arg). This variant is present in population databases (rs147223742, gnomAD 0.01%). This variant has not been reported in the literature in individuals affected with LTBP2-related conditions. Algorithms developed to predict the effect of missense changes on protein structure and function (SIFT, PolyPhen-2, Align-GVGD) all suggest that this variant is likely to be disruptive. In summary, the available evidence is currently insufficient to determine the role of this variant in disease. Therefore, it has been classified as a Variant of Uncertain Significance.